The following is an entry in ClinVar:

NM_018648.4(NOP10):c.127C>G (p.Arg43Gly)

Gene: NOP10 (NOP10 ribonucleoprotein; minus strand). Cytogenetic location: 15q14.
Variant type: single nucleotide variant.
Coding change: c.127C>G on transcript NM_018648.4 (MANE Select); coding-DNA position 127, C replaced by G.
Protein change: p.Arg43Gly; replaces arginine 43 with glycine.
Molecular consequence: missense variant.
Genome position (GRCh38, 1-based): chr15:34,342,036, G>C on the plus strand (C>G on the coding strand, the complement: NOP10 is on the minus strand). VCF-style: chr15-34342036-G-C. GRCh37 (hg19) VCF-style: chr15-34634237-G-C.
Other names: short protein forms R43G.
Identifiers: ClinVar variation 1047758 (VCV001047758.9), dbSNP rs1890485969, ClinGen allele CA391622080.

ClinVar aggregate classification (germline): Uncertain significance (1 of 4 stars; one submission).

Conditions:
Dyskeratosis congenita, autosomal recessive 1. Identifiers: Orphanet 1775, MedGen C1857144, MONDO:0009136, OMIM 224230.

Submission:

Labcorp Genetics (formerly Invitae), Labcorp
Classification: Uncertain significance for Dyskeratosis congenita, autosomal recessive 1. Last evaluated: 2024-02-16. Review status: criteria provided, single submitter. Criteria: Invitae Variant Classification Sherloc (09022015). Collection method: clinical testing. Allele origin: germline.
Comment: This sequence change replaces arginine, which is basic and polar, with glycine, which is neutral and non-polar, at codon 43 of the NOP10 protein (p.Arg43Gly). This variant is not present in population databases (gnomAD no frequency). This variant has not been reported in the literature in individuals affected with NOP10-related conditions. ClinVar contains an entry for this variant (Variation ID: 1047758). An algorithm developed to predict the effect of missense changes on protein structure and function (PolyPhen-2) suggests that this variant is likely to be disruptive. In summary, the available evidence is currently insufficient to determine the role of this variant in disease. Therefore, it has been classified as a Variant of Uncertain Significance.